The following is an entry in ClinVar:

ClinVar aggregate classification (germline): Uncertain significance (1 of 4 stars; one submission).

Submission:

Dasa
Classification: Uncertain significance. Last evaluated: 2025-04-05. Review status: criteria provided, single submitter. Criteria: DASA Assertion Criteria. Collection method: clinical testing. Allele origin: germline.
Comment: NM_004484.4(GPC3):c.1721G>A (p.Cys574Tyr) is a missense variant that results in the substitution of cysteine with tyrosine. This variant is absent from population databases. Computational prediction algorithms are consistent with a benign effect. The currently available literature and clinical evidence are not sufficient to establish a definitive association between this variant and the reported condition. Therefore, this variant is classified as a variant of uncertain significance.

NM_004484.4(GPC3):c.1721G>A (p.Cys574Tyr)

Gene: GPC3 (glypican 3; minus strand). Cytogenetic location: Xq26.2.
Variant type: single nucleotide variant.
Coding change: c.1721G>A on transcript NM_004484.4 (MANE Select); coding-DNA position 1721, G replaced by A.
Protein change: p.Cys574Tyr; replaces cysteine 574 with tyrosine.
Molecular consequence: missense variant.
Genome position (GRCh38, 1-based): chrX:133,536,146, C>T on the plus strand (G>A on the coding strand, the complement: GPC3 is on the minus strand). VCF-style: chrX-133536146-C-T. GRCh37 (hg19) VCF-style: chrX-132670174-C-T.
Other names: c.1790G>A, p.Cys597Tyr (NM_001164617.2); c.1673G>A, p.Cys558Tyr (NM_001164618.2); c.1559G>A, p.Cys520Tyr (NM_001164619.2); short protein forms C520Y, C558Y, C574Y, C597Y.
Identifiers: ClinVar variation 4882263 (VCV004882263.2).